The following is an entry in ClinVar:

ClinVar aggregate classification (germline): Pathogenic (1 of 4 stars; one submission).

Conditions:
Alstrom syndrome (ALMS). Identifiers: Orphanet 64, MedGen C0268425, MONDO:0008763, OMIM 203800.

gnomAD v4.1: 1 of 1,595,902 alleles (0.000063%); highest among the groups gnomAD compares: Non-Finnish European, 0.000085%; no homozygotes.

Submission:

Labcorp Genetics (formerly Invitae), Labcorp
Classification: Pathogenic for Alstrom syndrome. Last evaluated: 2022-05-16. Review status: criteria provided, single submitter. Criteria: Invitae Variant Classification Sherloc (09022015). Collection method: clinical testing. Allele origin: germline.
Comment: This variant is not present in population databases (gnomAD no frequency). This sequence change creates a premature translational stop signal (p.Glu72*) in the ALMS1 gene. It is expected to result in an absent or disrupted protein product. Loss-of-function variants in ALMS1 are known to be pathogenic (PMID: 17594715). This variant has not been reported in the literature in individuals affected with ALMS1-related conditions. For these reasons, this variant has been classified as Pathogenic. ClinVar contains an entry for this variant (Variation ID: 1071827).

Literature cited by the submitters: PubMed 17594715.

NM_001378454.1(ALMS1):c.211G>T (p.Glu71Ter)

Gene: ALMS1 (ALMS1 centrosome and basal body associated protein; plus strand). Cytogenetic location: 2p13.1.
Variant type: single nucleotide variant.
Coding change: c.211G>T on transcript NM_001378454.1 (MANE Select); coding-DNA position 211, G replaced by T.
Protein change: p.Glu71Ter; replaces glutamic acid 71 with a stop codon.
Molecular consequence: nonsense.
Genome position (GRCh38, 1-based): chr2:73,386,079, G>T. VCF-style: chr2-73386079-G-T. GRCh37 (hg19) VCF-style: chr2-73613207-G-T.
Other names: c.214G>T, p.Glu72Ter (NM_015120.4); short protein forms E71*, E72*.
Identifiers: ClinVar variation 1071827 (VCV001071827.7), dbSNP rs757131983, ClinGen allele CA347250842.
Genomic context (GRCh38, chr2:73,386,079, plus strand): 5'-GGGCGGGAGTTGGACTCCGACTCTCACTACGGGCCCCAGCATCTGGAAAGTATAGACGAC[G>T]AGGAGGACGAGGAGGCCAAGGCCTGGCTGCAGGCGCACCCCGGCAGGATTTTGCCTCCGC-3'